The following is an entry in ClinVar:

NM_002471.4(MYH6):c.5182C>G (p.Gln1728Glu)

Gene: MYH6 (myosin heavy chain 6; minus strand). Cytogenetic location: 14q11.2.
Variant type: single nucleotide variant.
Coding change: c.5182C>G on transcript NM_002471.4 (MANE Select); coding-DNA position 5182, C replaced by G.
Protein change: p.Gln1728Glu; replaces glutamine 1728 with glutamic acid.
Molecular consequence: missense variant.
Genome position (GRCh38, 1-based): chr14:23,385,023, G>C on the plus strand (C>G on the coding strand, the complement: MYH6 is on the minus strand). VCF-style: chr14-23385023-G-C. GRCh37 (hg19) VCF-style: chr14-23854232-G-C.
Other names: short protein forms Q1728E.
Identifiers: ClinVar variation 1745865 (VCV001745865.2), dbSNP rs1329348058, ClinGen allele CA388988585.

ClinVar aggregate classification (germline): Uncertain significance (1 of 4 stars; one submission).

Conditions:
Cardiovascular phenotype. Identifiers: MedGen CN230736.

gnomAD v4.1: 1 of 1,614,150 alleles (0.000062%); highest among the groups gnomAD compares: African/African-American, 0.0013%; no homozygotes.

Submission:

Ambry Genetics
Classification: Uncertain significance for Cardiovascular phenotype. Last evaluated: 2020-11-24. Review status: criteria provided, single submitter. Criteria: Ambry Variant Classification Scheme 2023. Collection method: clinical testing. Allele origin: germline.
Comment: The p.Q1728E variant (also known as c.5182C>G), located in coding exon 33 of the MYH6 gene, results from a C to G substitution at nucleotide position 5182. The glutamine at codon 1728 is replaced by glutamic acid, an amino acid with highly similar properties. This amino acid position is well conserved in available vertebrate species. In addition, this alteration is predicted to be tolerated by in silico analysis. Since supporting evidence is limited at this time, the clinical significance of this alteration remains unclear.